The following is an entry in ClinVar:

NM_024417.5(FDXR):c.46C>A (p.Arg16=)

Genes: FDXR (ferredoxin reductase; minus strand), LOC112533667 (Sharpr-MPRA regulatory region 86; plus strand). Cytogenetic location: 17q25.1.
Variant type: single nucleotide variant.
Coding change: c.46C>A on transcript NM_024417.5 (MANE Select); coding-DNA position 46, C replaced by A.
Protein change: p.Arg16=; no amino-acid change (arginine 16 retained).
Molecular consequence: synonymous variant. On other transcripts: non-coding transcript variant (1).
Genome position (GRCh38, 1-based): chr17:74,872,899, G>T on the plus strand (C>A on the coding strand, the complement: FDXR is on the minus strand). VCF-style: chr17-74872899-G-T. GRCh37 (hg19) VCF-style: chr17-72869024-G-T.
Other names: c.46C>A, p.Arg16= (NM_001258012.4, NM_001258013.4, NM_001258014.4 and 2 more transcripts).
Identifiers: ClinVar variation 4681354 (VCV004681354.6).

ClinVar aggregate classification (germline): Likely benign. Review status: criteria provided, multiple submitters, no conflicts (2 of 4 stars). 2 submissions from 2 submitters: Likely benign (2). Last evaluated 2026-05-01.

gnomAD v4.1: 611 of 1,552,860 alleles (0.039%); highest among the groups gnomAD compares: Middle Eastern, 0.067%; no homozygotes.

Submissions (2):

CeGaT Center for Human Genetics Tuebingen
Classification: Likely benign. Last evaluated: 2026-05-01. Review status: criteria provided, single submitter. Criteria: CeGaT Center For Human Genetics Tuebingen Variant Classification Criteria Version 2. Collection method: clinical testing. Allele origin: germline. Affected: yes. Observed: 2 variant alleles.
Comment: FDXR: BP4, BP7

Blueprint Genetics
Classification: Likely benign. Last evaluated: 2024-09-13. Review status: criteria provided, single submitter. Criteria: ACMG Guidelines, 2015. Collection method: clinical testing. Allele origin: germline.